The following is an entry in ClinVar:

NM_031866.3(FZD8):c.1953_1970del (p.652PGGGGG[1])

Gene: FZD8 (frizzled class receptor 8; minus strand). Cytogenetic location: 10p11.21.
Variant type: Deletion.
Coding change: c.1953_1970del on transcript NM_031866.3 (MANE Select); coding-DNA positions 1953 to 1970, 18 bases deleted (ACCCGGCGGCGGCGGGGG).
Protein change: p.652PGGGGG[1].
Molecular consequence: inframe deletion.
Genome position (GRCh38, 1-based): chr10:35,639,460-35,639,477, CCCCCGCCGCCGCCGGGT deleted on the plus strand (ACCCGGCGGCGGCGGGGG on the coding strand, the reverse complement: FZD8 is on the minus strand); deleting any 18 consecutive bases within chr10:35,639,460-35,639,492 gives the same sequence; the c. name uses the placement nearest the transcript's 3' end. VCF-style (leftmost placement, unchanged base first): chr10-35639459-CCCCCCGCCGCCGCCGGGT-C. GRCh37 (hg19) VCF-style: chr10-35928387-CCCCCCGCCGCCGCCGGGT-C.
Identifiers: ClinVar variation 3388402 (VCV003388402.14).

ClinVar aggregate classification (germline): Likely benign (1 of 4 stars; one submission).

Submission:

CeGaT Center for Human Genetics Tuebingen
Classification: Likely benign. Last evaluated: 2024-11-01. Review status: criteria provided, single submitter. Criteria: CeGaT Center For Human Genetics Tuebingen Variant Classification Criteria Version 2. Collection method: clinical testing. Allele origin: germline. Affected: yes. Observed: 1 variant allele.
Comment: FZD8: BS2